The following is an entry in ClinVar:

NM_152564.5(VPS13B):c.193T>C (p.Leu65=)

Gene: VPS13B (vacuolar protein sorting 13 homolog B; plus strand). Cytogenetic location: 8q22.2.
Variant type: single nucleotide variant.
Coding change: c.193T>C on transcript NM_152564.5 (MANE Select); coding-DNA position 193, T replaced by C.
Protein change: p.Leu65=; no amino-acid change (leucine 65 retained).
Molecular consequence: synonymous variant. On other transcripts: non-coding transcript variant (1).
Genome position (GRCh38, 1-based): chr8:99,038,468, T>C. VCF-style: chr8-99038468-T-C. GRCh37 (hg19) VCF-style: chr8-100050696-T-C.
Other names: c.193T>C, p.Leu65= (NM_015243.3, NM_017890.5, NM_181661.3); c.193T>C (NM_152564.4).
Identifiers: ClinVar variation 1613135 (VCV001613135.10), dbSNP rs2132222030, ClinGen allele CA462419672.

ClinVar aggregate classification (germline): Likely benign. Review status: criteria provided, single submitter (1 of 4 stars). 2 submissions from 2 submitters: Likely benign (1). 1 of the submissions does not count toward it. Last evaluated 2021-04-30.

Conditions:
Cohen syndrome (COH1). Also called: Cutis verticis gyrata, retinitis pigmentosa, and sensorineural deafness; PEPPER SYNDROME. Identifiers: Orphanet 193, MedGen C0265223, MONDO:0008999, OMIM 216550.
VPS13B-related disorder. Also called: VPS13B-related condition.

Submissions (2):

Labcorp Genetics (formerly Invitae), Labcorp
Classification: Likely benign for Cohen syndrome. Last evaluated: 2021-04-30. Review status: criteria provided, single submitter. Criteria: Invitae Variant Classification Sherloc (09022015). Collection method: clinical testing. Allele origin: germline.

PreventionGenetics, part of Exact Sciences
Classification: Likely benign for VPS13B-related condition. Last evaluated: 2022-05-26. Review status: no assertion criteria provided. Collection method: clinical testing. Allele origin: germline. Not counted in ClinVar's aggregate classification.
Comment: This variant is classified as likely benign based on ACMG/AMP sequence variant interpretation guidelines (Richards et al. 2015 PMID: 25741868, with internal and published modifications).